The following is an entry in ClinVar:

ClinVar aggregate classification (germline): Uncertain significance (1 of 4 stars; one submission).

Conditions:
Hereditary breast ovarian cancer syndrome. Also called: Breast and ovarian cancer; BRCA1- and BRCA2-Associated Hereditary Breast and Ovarian Cancer; Hereditary breast and ovarian cancer; Hereditary breast and/or ovarian cancer syndrome; Hereditary breast and ovarian cancer syndrome; Hereditary breast and ovarian cancer syndrome (HBOC). Identifiers: Orphanet 145, MedGen C0677776, MeSH D061325, MONDO:0003582. Disease mechanism: loss of function.

Submission:

Labcorp Genetics (formerly Invitae), Labcorp
Classification: Uncertain significance for Hereditary breast ovarian cancer syndrome. Last evaluated: 2023-05-08. Review status: criteria provided, single submitter. Criteria: Invitae Variant Classification Sherloc (09022015). Collection method: clinical testing. Allele origin: germline.
Comment: In summary, the available evidence is currently insufficient to determine the role of this variant in disease. Therefore, it has been classified as a Variant of Uncertain Significance. Advanced modeling of protein sequence and biophysical properties (such as structural, functional, and spatial information, amino acid conservation, physicochemical variation, residue mobility, and thermodynamic stability) performed at Invitae indicates that this missense variant is not expected to disrupt BRCA2 protein function. This missense change has been observed in individual(s) with breast and/or ovarian cancer (PMID: 29470806). This variant is not present in population databases (gnomAD no frequency). This sequence change replaces arginine, which is basic and polar, with glycine, which is neutral and non-polar, at codon 3052 of the BRCA2 protein (p.Arg3052Gly).

Literature cited by the submitters: PubMed 29470806.

NM_000059.4(BRCA2):c.9154C>G (p.Arg3052Gly)

Gene: BRCA2 (BRCA2 DNA repair associated; plus strand). Cytogenetic location: 13q13.1.
Variant type: single nucleotide variant.
Coding change: c.9154C>G on transcript NM_000059.4 (MANE Select); coding-DNA position 9154, C replaced by G.
Protein change: p.Arg3052Gly; replaces arginine 3052 with glycine.
Molecular consequence: missense variant. On other transcripts: non-coding transcript variant (1).
Genome position (GRCh38, 1-based): chr13:32,380,043, C>G. VCF-style: chr13-32380043-C-G. GRCh37 (hg19) VCF-style: chr13-32954180-C-G.
Other names: c.9058C>G, p.Arg3020Gly (NM_001406719.1); c.9103C>G, p.Arg3035Gly (NM_001406720.1); c.4222C>G, p.Arg1408Gly (NM_001406721.1); c.2737C>G, p.Arg913Gly (NM_001406722.1); short protein forms R3020G, R1408G, R3035G, R3052G, R913G.
Identifiers: ClinVar variation 2910337 (VCV002910337.3), dbSNP rs45580035, ClinGen allele CA387757925.